The following is an entry in ClinVar:

ClinVar aggregate classification (germline): Uncertain significance (1 of 4 stars; one submission).

Allele frequency attached by ClinVar (database versions not stated): TOPMed below 0.00001; gnomAD exomes 0.00002.
gnomAD v4.1: 25 of 1,614,160 alleles (0.0015%); highest among the groups gnomAD compares: Non-Finnish European, 0.0019%; no homozygotes.

Submission:

Labcorp Genetics (formerly Invitae), Labcorp
Classification: Uncertain significance. Last evaluated: 2022-06-20. Review status: criteria provided, single submitter. Criteria: Invitae Variant Classification Sherloc (09022015). Collection method: clinical testing. Allele origin: germline.
Comment: This sequence change replaces lysine, which is basic and polar, with glutamic acid, which is acidic and polar, at codon 276 of the NSMCE3 protein (p.Lys276Glu). This variant is not present in population databases (gnomAD no frequency). This variant has not been reported in the literature in individuals affected with NSMCE3-related conditions. Algorithms developed to predict the effect of missense changes on protein structure and function are either unavailable or do not agree on the potential impact of this missense change (SIFT: "Deleterious"; PolyPhen-2: "Benign"; Align-GVGD: "Class C0"). In summary, the available evidence is currently insufficient to determine the role of this variant in disease. Therefore, it has been classified as a Variant of Uncertain Significance.

NM_138704.4(NSMCE3):c.826A>G (p.Lys276Glu)

Genes: ENTREP2 (endosomal transmembrane epsin interactor 2; minus strand), NSMCE3 (NSE3 homolog, SMC5-SMC6 complex component; minus strand). Cytogenetic location: 15q13.1.
Variant type: single nucleotide variant.
Coding change: c.826A>G on transcript NM_138704.4 (MANE Select); coding-DNA position 826, A replaced by G.
Protein change: p.Lys276Glu; replaces lysine 276 with glutamic acid.
Molecular consequence: missense variant. On other transcripts: intron variant (5).
Genome position (GRCh38, 1-based): chr15:29,268,880, T>C on the plus strand (A>G on the coding strand, the complement: NSMCE3 is on the minus strand). VCF-style: chr15-29268880-T-C. GRCh37 (hg19) VCF-style: chr15-29561084-T-C.
Other names: c.-12-16402A>G (NM_001387217.1, NM_001387215.1, NM_001387216.1); c.277-16402A>G (NM_001387214.1, NM_015307.2); short protein forms K276E.
Identifiers: ClinVar variation 1421457 (VCV001421457.3), dbSNP rs987175109, ClinGen allele CA268359532.